The following is an entry in ClinVar:

ClinVar aggregate classification (germline): Uncertain significance (1 of 4 stars; one submission).

Allele frequency attached by ClinVar (database versions not stated): ExAC 0.00001.
gnomAD v4.1: 4 of 1,614,148 alleles (0.00025%); highest among the groups gnomAD compares: Admixed American, 0.0067%; no homozygotes.

Submission:

Labcorp Genetics (formerly Invitae), Labcorp
Classification: Uncertain significance. Last evaluated: 2024-11-04. Review status: criteria provided, single submitter. Criteria: Invitae Variant Classification Sherloc (09022015). Collection method: clinical testing. Allele origin: germline.
Comment: This sequence change replaces leucine, which is neutral and non-polar, with methionine, which is neutral and non-polar, at codon 205 of the FAM20A protein (p.Leu205Met). This variant is present in population databases (rs756233713, gnomAD 0.01%). This variant has not been reported in the literature in individuals affected with FAM20A-related conditions. ClinVar contains an entry for this variant (Variation ID: 1967305). An algorithm developed to predict the effect of missense changes on protein structure and function (PolyPhen-2) suggests that this variant is likely to be disruptive. In summary, the available evidence is currently insufficient to determine the role of this variant in disease. Therefore, it has been classified as a Variant of Uncertain Significance.

NM_017565.4(FAM20A):c.613T>A (p.Leu205Met)

Gene: FAM20A (FAM20A golgi associated secretory pathway pseudokinase; minus strand). Cytogenetic location: 17q24.2.
Variant type: single nucleotide variant.
Coding change: c.613T>A on transcript NM_017565.4 (MANE Select); coding-DNA position 613, T replaced by A.
Protein change: p.Leu205Met; replaces leucine 205 with methionine.
Molecular consequence: missense variant. On other transcripts: non-coding transcript variant (1).
Genome position (GRCh38, 1-based): chr17:68,554,804, A>T on the plus strand (T>A on the coding strand, the complement: FAM20A is on the minus strand). VCF-style: chr17-68554804-A-T. GRCh37 (hg19) VCF-style: chr17-66550945-A-T.
Other names: c.199T>A, p.Leu67Met (NM_001243746.2); short protein forms L205M, L67M.
Identifiers: ClinVar variation 1967305 (VCV001967305.5), dbSNP rs756233713, ClinGen allele CA8730017.
Genomic context (GRCh38, chr17:68,554,804, plus strand): 5'-GAGGCTGGGTGGGGGTGGGGCTAGGTCACTTACTCTGGGTGCAGTCACATGCCCCCAGCA[A>T]GGCTTTCTCATCTTGACTGTAATCTGCAAAGGAGGAGAAGGGCAATGAGAACTTCCAGTC-3'
Protein context (NP_060035.2, residues 195-215): SADYSQDEKA[Leu205Met]LGACDCTQIV